The following is an entry in ClinVar:

ClinVar aggregate classification (germline): Uncertain significance (1 of 4 stars; one submission).

Submission:

GeneDx
Classification: Uncertain significance. Last evaluated: 2024-12-05. Review status: criteria provided, single submitter. Criteria: GeneDx Variant Classification Process June 2021. Collection method: clinical testing. Allele origin: germline. Affected: yes.
Comment: Not observed at significant frequency in large population cohorts (gnomAD); In-frame deletion of 2 amino acids and insertion of 2 different amino acids in a non-repeat region; In silico analysis indicates that this variant does not alter protein structure/function; Has not been previously published as pathogenic or benign to our knowledge

NM_003482.4(KMT2D):c.9533_9536delinsTTCT (p.His3178_Thr3179delinsLeuLeu)

Gene: KMT2D (lysine methyltransferase 2D; minus strand). Cytogenetic location: 12q13.12.
Variant type: Indel.
Coding change: c.9533_9536delinsTTCT on transcript NM_003482.4 (MANE Select); coding-DNA positions 9533 to 9536, ACAC replaced by TTCT.
Protein change: p.His3178_Thr3179delinsLeuLeu.
Molecular consequence: missense variant.
Genome position (GRCh38, 1-based): chr12:49,037,820-49,037,823, GTGT replaced by AGAA on the plus strand (ACAC replaced by TTCT on the coding strand, the reverse complement: KMT2D is on the minus strand). VCF-style: chr12-49037820-GTGT-AGAA. GRCh37 (hg19) VCF-style: chr12-49431603-GTGT-AGAA.
Other names: c.9533_9536delACACinsTTCT, p.His3178_Thr3179delinsLeuLeu (NM_003482.3).
Identifiers: ClinVar variation 3901674 (VCV003901674.1).